The following is an entry in ClinVar:

NM_001903.5(CTNNA1):c.657G>T (p.Pro219=)

Gene: CTNNA1 (catenin alpha 1; plus strand). Cytogenetic location: 5q31.2.
Variant type: single nucleotide variant.
Coding change: c.657G>T on transcript NM_001903.5 (MANE Select); coding-DNA position 657, G replaced by T.
Protein change: p.Pro219=; no amino-acid change (proline 219 retained).
Molecular consequence: synonymous variant.
Genome position (GRCh38, 1-based): chr5:138,824,598, G>T. VCF-style: chr5-138824598-G-T. GRCh37 (hg19) VCF-style: chr5-138160287-G-T.
Other names: c.657G>T, p.Pro219= (NM_001290307.3, NM_001323982.2, NM_001323983.1 and 3 more transcripts); c.348G>T, p.Pro116= (NM_001290309.3); c.288G>T, p.Pro96= (NM_001290310.3).
Identifiers: ClinVar variation 733571 (VCV000733571.12), dbSNP rs751221688, ClinGen allele CA3431521.
Genomic context (GRCh38, chr5:138,824,598, plus strand): 5'-AGATGTTGGCCATCGTGATCAGATGGCTGCAGCTAGAGGAATCCTGCAGAAGAACGTTCC[G>T]ATCCTCTATACTGCATCCCAGGCATGCCTACAGCACCCTGATGTCGCAGCCTATAAGGCC-3'
Protein context (NP_001894.2, residues 209-229): AARGILQKNV[Pro219=]ILYTASQACL

ClinVar aggregate classification (germline): Benign/Likely benign. Review status: criteria provided, multiple submitters, no conflicts (2 of 4 stars). 3 submissions from 3 submitters: Benign (1); Likely benign (2). Last evaluated 2025-03-07.

Conditions:
Hereditary cancer-predisposing syndrome. Also called: Hereditary neoplastic syndrome; Neoplastic Syndromes, Hereditary; Tumor predisposition; Hereditary Cancer Syndrome. Identifiers: Orphanet 140162, MedGen C0027672, MeSH D009386, MONDO:0015356.
Hereditary diffuse gastric adenocarcinoma (HDGC). Also called: DIFFUSE GASTRIC AND LOBULAR BREAST CANCER SYNDROME. Identifiers: Orphanet 26106, MedGen C1708349, MONDO:0007648, OMIM 137215.

gnomAD v4.1: 1 of 1,614,048 alleles (0.000062%); highest among the groups gnomAD compares: African/African-American, 0.0013%; no homozygotes.

Submissions (3):

Labcorp Genetics (formerly Invitae), Labcorp
Classification: Likely benign. Last evaluated: 2025-03-07. Review status: criteria provided, single submitter. Criteria: Invitae Variant Classification Sherloc (09022015). Collection method: clinical testing. Allele origin: germline.

Myriad Genetics, Inc.
Classification: Benign for Hereditary diffuse gastric adenocarcinoma. Last evaluated: 2024-10-10. Review status: criteria provided, single submitter. Criteria: Myriad Autosomal Dominant, Autosomal Recessive and X-Linked Classification Criteria (2023). Collection method: clinical testing. Allele origin: unknown.
Comment: This variant is considered benign. This variant is a silent/synonymous amino acid change and it is not expected to impact splicing.

Ambry Genetics
Classification: Likely benign for Hereditary cancer-predisposing syndrome. Last evaluated: 2020-06-01. Review status: criteria provided, single submitter. Criteria: Ambry Variant Classification Scheme 2023. Collection method: clinical testing. Allele origin: germline.